The following is an entry in ClinVar:

ClinVar aggregate classification (germline): Uncertain significance (1 of 4 stars; one submission).

Conditions:
Hereditary nonpolyposis colorectal neoplasms. Identifiers: MedGen C0009405, MeSH D003123.

Submission:

Labcorp Genetics (formerly Invitae), Labcorp
Classification: Uncertain significance for Hereditary nonpolyposis colorectal neoplasms. Last evaluated: 2021-08-12. Review status: criteria provided, single submitter. Criteria: Invitae Variant Classification Sherloc (09022015). Collection method: clinical testing. Allele origin: germline.
Comment: This variant results in a copy number gain of the genomic region encompassing exons 6-14 of the PMS2 gene. While the exact position of this variant cannot be determined from the data, sub-genic copy number gains are generally in tandem (PMID: 25640679). This variant is predicted to be in-frame, and likely preserves the integrity of the reading frame. This variant has not been reported in the literature in individuals affected with PMS2-related conditions. Experimental studies and prediction algorithms are not available or were not evaluated, and the functional significance of this variant is currently unknown. In summary, the available evidence is currently insufficient to determine the role of this variant in disease. Therefore, it has been classified as a Variant of Uncertain Significance.

Literature cited by the submitters: PubMed 25640679.

NC_000007.13:g.(?_6026380)_(6038916_?)dup

Gene: PMS2 (PMS1 homolog 2, mismatch repair system component; minus strand). Cytogenetic location: 7p22.1.
Variant type: Duplication.
Identifiers: ClinVar variation 647948 (VCV000647948.5).